The following is an entry in ClinVar:

NM_032609.3(COX4I2):c.467A>G (p.Gln156Arg)

Gene: COX4I2 (cytochrome c oxidase subunit 4I2; plus strand). Cytogenetic location: 20q11.21.
Variant type: single nucleotide variant.
Coding change: c.467A>G on transcript NM_032609.3 (MANE Select); coding-DNA position 467, A replaced by G.
Protein change: p.Gln156Arg; replaces glutamine 156 with arginine.
Molecular consequence: missense variant.
Genome position (GRCh38, 1-based): chr20:31,644,855, A>G. VCF-style: chr20-31644855-A-G. GRCh37 (hg19) VCF-style: chr20-30232658-A-G.
Other names: short protein forms Q156R.
Identifiers: ClinVar variation 2190355 (VCV002190355.4), dbSNP rs777980097, ClinGen allele CA9801995.

ClinVar aggregate classification (germline): Uncertain significance (1 of 4 stars; one submission).

Allele frequency attached by ClinVar (database versions not stated): gnomAD exomes below 0.00001; ExAC 0.00001; gnomAD 0.00001.
gnomAD v4.1: 5 of 1,613,980 alleles (0.00031%); highest among the groups gnomAD compares: Non-Finnish European, 0.00042%; no homozygotes.

Submission:

Labcorp Genetics (formerly Invitae), Labcorp
Classification: Uncertain significance. Last evaluated: 2024-01-06. Review status: criteria provided, single submitter. Criteria: Invitae Variant Classification Sherloc (09022015). Collection method: clinical testing. Allele origin: germline.
Comment: This sequence change replaces glutamine, which is neutral and polar, with arginine, which is basic and polar, at codon 156 of the COX4I2 protein (p.Gln156Arg). This variant is present in population databases (rs777980097, gnomAD 0.002%). This variant has not been reported in the literature in individuals affected with COX4I2-related conditions. ClinVar contains an entry for this variant (Variation ID: 2190355). An algorithm developed to predict the effect of missense changes on protein structure and function (PolyPhen-2) suggests that this variant is likely to be disruptive. In summary, the available evidence is currently insufficient to determine the role of this variant in disease. Therefore, it has been classified as a Variant of Uncertain Significance.